The following is an entry in ClinVar:

ClinVar aggregate classification (germline): Benign. Review status: criteria provided, multiple submitters, no conflicts (2 of 4 stars). 3 submissions from 3 submitters: Benign (3). Last evaluated 2025-12-13.

Conditions:
Microcytic anemia with liver iron overload. Also called: Anemia, hypochromic microcytic, with iron overload 1. Identifiers: Orphanet 83642, MedGen C3806153, MONDO:0008787, OMIM 206100.

Allele frequency attached by ClinVar (database versions not stated): gnomAD exomes 0.00048 and 0.00118; ExAC 0.00155; gnomAD 0.00503 and 0.00534; TOPMed 0.00527; 1000 Genomes Project 30x 0.00578; 1000 Genomes Project 0.00579; ESP Exome Variant Server 0.00654.
gnomAD v4.1: 1,507 of 1,613,644 alleles (0.093%); highest among the groups gnomAD compares: African/African-American, 1.8%; 20 homozygotes.

Submissions (3):

Labcorp Genetics (formerly Invitae), Labcorp
Classification: Benign. Last evaluated: 2025-12-13. Review status: criteria provided, single submitter. Criteria: Invitae Variant Classification Sherloc (09022015). Collection method: clinical testing. Allele origin: germline.

Illumina Laboratory Services, Illumina
Classification: Benign for Microcytic anemia with liver iron overload. Last evaluated: 2018-01-13. Review status: criteria provided, single submitter. Criteria: ICSL Variant Classification Criteria 13 December 2019. Collection method: clinical testing. Allele origin: germline.
Comment: This variant was observed in the ICSL laboratory as part of a predisposition screen in an ostensibly healthy population. It had not been previously curated by ICSL or reported in the Human Gene Mutation Database (HGMD: prior to June 1st, 2018), and was therefore a candidate for classification through an automated scoring system. Utilizing variant allele frequency, disease prevalence and penetrance estimates, and inheritance mode, an automated score was calculated to assess if this variant is too frequent to cause the disease. Based on the score and internal cut-off values, a variant classified as benign is not then subjected to further curation. The score for this variant resulted in a classification of benign for this disease.

Breakthrough Genomics
Classification: Benign. Review status: criteria provided, single submitter. Criteria: ACMG Guidelines, 2015. Collection method: not provided. Allele origin: germline. Inheritance: Autosomal recessive inheritance. Affected: yes.

NM_000617.3(SLC11A2):c.184T>C (p.Tyr62His)

Gene: SLC11A2 (solute carrier family 11 member 2; minus strand). Cytogenetic location: 12q13.12.
Variant type: single nucleotide variant.
Coding change: c.184T>C on transcript NM_000617.3 (MANE Select); coding-DNA position 184, T replaced by C.
Protein change: p.Tyr62His; replaces tyrosine 62 with histidine.
Molecular consequence: missense variant. On other transcripts: non-coding transcript variant (5).
Genome position (GRCh38, 1-based): chr12:51,005,436, A>G on the plus strand (T>C on the coding strand, the complement: SLC11A2 is on the minus strand). VCF-style: chr12-51005436-A-G. GRCh37 (hg19) VCF-style: chr12-51399219-A-G.
Other names: c.271T>C, p.Tyr91His (NM_001174125.2, NM_001379446.1, NM_001379455.1); c.184T>C, p.Tyr62His (NM_001174126.2, NM_001174127.2, NM_001174128.2 and 5 more transcripts); c.172T>C, p.Tyr58His (NM_001174130.2, NM_001379448.1); c.73T>C, p.Tyr25His (NM_001414747.1, NM_001414748.1); c.-54T>C (NM_001414749.1, NM_001414750.1); short protein forms Y62H, Y91H, Y58H, Y25H.
Identifiers: ClinVar variation 881286 (VCV000881286.9), dbSNP rs17222470, ClinGen allele CA6566830.